The following is an entry in ClinVar:

NM_022436.3(ABCG5):c.1793C>T (p.Pro598Leu)

Genes: ABCG5 (ATP binding cassette subfamily G member 5; minus strand), DYNC2LI1 (dynein cytoplasmic 2 light intermediate chain 1; plus strand). Cytogenetic location: 2p21.
Variant type: single nucleotide variant.
Coding change: c.1793C>T on transcript NM_022436.3 (MANE Select); coding-DNA position 1793, C replaced by T.
Protein change: p.Pro598Leu; replaces proline 598 with leucine.
Molecular consequence: missense variant. On other transcripts: intron variant (2).
Genome position (GRCh38, 1-based): chr2:43,813,279, G>A on the plus strand (C>T on the coding strand, the complement: ABCG5 is on the minus strand). VCF-style: chr2-43813279-G-A. GRCh37 (hg19) VCF-style: chr2-44040418-G-A.
Other names: c.*15+2755G>A (NM_001348913.2, NM_001348912.2); short protein forms P598L.
Identifiers: ClinVar variation 4613325 (VCV004613325.1).

ClinVar aggregate classification (germline): Uncertain significance (1 of 4 stars; one submission).

Conditions:
Cardiovascular phenotype. Identifiers: MedGen CN230736.

gnomAD v4.1: 2 of 1,613,742 alleles (0.00012%); highest among the groups gnomAD compares: Non-Finnish European, 0.000085%; no homozygotes.

Submission:

Ambry Genetics
Classification: Uncertain significance for Cardiovascular phenotype. Last evaluated: 2025-10-11. Review status: criteria provided, single submitter. Criteria: Ambry Variant Classification Scheme 2023. Collection method: clinical testing. Allele origin: germline.
Comment: The p.P598L variant (also known as c.1793C>T), located in coding exon 13 of the ABCG5 gene, results from a C to T substitution at nucleotide position 1793. The proline at codon 598 is replaced by leucine, an amino acid with similar properties. This amino acid position is conserved. In addition, the in silico prediction for this alteration is inconclusive. Based on the available evidence, the clinical significance of this variant remains unclear.